The following is an entry in ClinVar:

NM_004393.6(DAG1):c.829G>A (p.Val277Ile)

Gene: DAG1 (dystroglycan 1; plus strand). Cytogenetic location: 3p21.31.
Variant type: single nucleotide variant.
Coding change: c.829G>A on transcript NM_004393.6 (MANE Select); coding-DNA position 829, G replaced by A.
Protein change: p.Val277Ile; replaces valine 277 with isoleucine.
Molecular consequence: missense variant.
Genome position (GRCh38, 1-based): chr3:49,531,340, G>A. VCF-style: chr3-49531340-G-A. GRCh37 (hg19) VCF-style: chr3-49568773-G-A.
Other names: c.829G>A, p.Val277Ile (NM_001165928.4, NM_001177634.3, NM_001177635.3 and 9 more transcripts); short protein forms V277I.
Identifiers: ClinVar variation 471777 (VCV000471777.13), dbSNP rs375892170, ClinGen allele CA2398966.

ClinVar aggregate classification (germline): Uncertain significance. Review status: criteria provided, multiple submitters, no conflicts (2 of 4 stars). 3 submissions from 3 submitters: Uncertain significance (3). Last evaluated 2022-01-31.

Conditions:
Autosomal recessive limb-girdle muscular dystrophy type 2P. Also called: MUSCULAR DYSTROPHY-DYSTROGLYCANOPATHY, LIMB-GIRDLE, DAG1-RELATED; MUSCULAR DYSTROPHY, LIMB-GIRDLE, TYPE 2P; Limb-Girdle Muscular Dystrophy Type 9C. Identifiers: Orphanet 280333, MedGen C4511963, MONDO:0013440, OMIM 613818.
Muscular dystrophy-dystroglycanopathy (congenital with brain and eye anomalies), type A9. Also called: WALKER-WARBURG SYNDROME OR MUSCLE-EYE BRAIN DISEASE, DAG1-RELATED; Muscular dystrophy-dystroglycanopathy (congenital with brain and eye anomalies), type a, 9. Identifiers: Orphanet 370997, Orphanet 899, MedGen C4225291, MONDO:0014683, OMIM 616538.

Allele frequency attached by ClinVar (database versions not stated): gnomAD exomes below 0.00001 and 0.00004; ExAC 0.00002; TOPMed 0.00002; gnomAD 0.00003 and 0.00004; ESP Exome Variant Server 0.00008.

Submissions (3):

GeneDx
Classification: Uncertain significance. Last evaluated: 2022-01-31. Review status: criteria provided, single submitter. Criteria: GeneDx Variant Classification Process June 2021. Collection method: clinical testing. Allele origin: germline. Affected: yes.
Comment: Not observed at significant frequency in large population cohorts (gnomAD); In silico analysis supports that this missense variant does not alter protein structure/function; Has not been previously published as pathogenic or benign to our knowledge; This variant is associated with the following publications: (PMID: 21388311)

Labcorp Genetics (formerly Invitae), Labcorp
Classification: Uncertain significance for Autosomal recessive limb-girdle muscular dystrophy type 2P; Muscular dystrophy-dystroglycanopathy (congenital with brain and eye anomalies), type A9. Last evaluated: 2021-08-30. Review status: criteria provided, single submitter. Criteria: Invitae Variant Classification Sherloc (09022015). Collection method: clinical testing. Allele origin: germline.
Comment: This sequence change replaces valine with isoleucine at codon 277 of the DAG1 protein (p.Val277Ile). The valine residue is moderately conserved and there is a small physicochemical difference between valine and isoleucine. This variant is present in population databases (rs375892170, ExAC 0.003%). This variant has not been reported in the literature in individuals affected with DAG1-related conditions. Algorithms developed to predict the effect of missense changes on protein structure and function are either unavailable or do not agree on the potential impact of this missense change (SIFT: "Tolerated"; PolyPhen-2: "Possibly Damaging"; Align-GVGD: "Class C0"). In summary, the available evidence is currently insufficient to determine the role of this variant in disease. Therefore, it has been classified as a Variant of Uncertain Significance.

Eurofins Ntd Llc (ga)
Classification: Uncertain significance. Last evaluated: 2018-07-10. Review status: criteria provided, single submitter. Criteria: EGL ClinVar v180209 classification definitions. Collection method: clinical testing. Allele origin: germline. Observed: 1 variant allele, 1 heterozygote.